The following is an entry in ClinVar:

ClinVar aggregate classification (germline): Uncertain significance (1 of 4 stars; one submission).

Conditions:
Neurodevelopmental disorder with speech impairment and with or without seizures. Also called: Neurodevelopmental disorder with variable intellectual disability and speech impairment, with or without seizures. Identifiers: MedGen C5774252, MONDO:0859313, OMIM 620114.

gnomAD v4.1: 3 of 1,573,154 alleles (0.00019%); highest among the groups gnomAD compares: Non-Finnish European, 0.00017%; no homozygotes.

Submission:

Laboratorio de Genetica e Diagnostico Molecular, Hospital Israelita Albert Einstein
Classification: Uncertain significance for Neurodevelopmental disorder with speech impairment and with or without seizures. Last evaluated: 2024-03-26. Review status: criteria provided, single submitter. Criteria: ACMG Guidelines, 2015. Collection method: clinical testing. Allele origin: germline. Affected: yes.
Comment: ACMG classification criteria: PM2 supporting, PP2 supporting, BP4 supporting

NM_021096.4(CACNA1I):c.2891A>G (p.Gln964Arg)

Gene: CACNA1I (calcium voltage-gated channel subunit alpha1 I; plus strand). Cytogenetic location: 22q13.1.
Variant type: single nucleotide variant.
Coding change: c.2891A>G on transcript NM_021096.4 (MANE Select); coding-DNA position 2891, A replaced by G.
Protein change: p.Gln964Arg; replaces glutamine 964 with arginine.
Molecular consequence: missense variant.
Genome position (GRCh38, 1-based): chr22:39,661,300, A>G. VCF-style: chr22-39661300-A-G. GRCh37 (hg19) VCF-style: chr22-40057305-A-G.
Other names: c.2786A>G, p.Gln929Arg (NM_001003406.2); short protein forms Q929R, Q964R.
Identifiers: ClinVar variation 3902031 (VCV003902031.1).
Genomic context (GRCh38, chr22:39,661,300, plus strand): 5'-TGGTGGCCCTGGGCTCCCGAAAGAGCAGTGTCATGTCTCTAGGGAGGATGAGCTATGACC[A>G]GCGCTCCCTGGTGAGTCCTTGTGGGGAGCTCTGGACGGGCGCTTCCTGCTGGGGTGTGTG-3'
Protein context (NP_066919.2, residues 954-974): VMSLGRMSYD[Gln964Arg]RSLSSSRSSY